The following is an entry in ClinVar:

ClinVar aggregate classification (germline): Uncertain significance (1 of 4 stars; one submission).

gnomAD v4.1: 3 of 1,587,046 alleles (0.00019%); highest among the groups gnomAD compares: Non-Finnish European, 0.00026%; no homozygotes.

Submission:

GeneDx
Classification: Uncertain significance. Last evaluated: 2026-04-08. Review status: criteria provided, single submitter. Criteria: GeneDx Variant Classification Process June 2021. Collection method: clinical testing. Allele origin: germline.
Comment: Not observed at significant frequency in large population cohorts (gnomAD); In silico analysis supports that this missense variant has a deleterious effect on protein structure/function; Has not been previously published as pathogenic or benign to our knowledge

NM_080680.3(COL11A2):c.2911C>A (p.Pro971Thr)

Gene: COL11A2 (collagen type XI alpha 2 chain; minus strand). Cytogenetic location: 6p21.32.
Variant type: single nucleotide variant.
Coding change: c.2911C>A on transcript NM_080680.3 (MANE Select); coding-DNA position 2911, C replaced by A.
Protein change: p.Pro971Thr; replaces proline 971 with threonine.
Molecular consequence: missense variant.
Genome position (GRCh38, 1-based): chr6:33,172,366, G>T on the plus strand (C>A on the coding strand, the complement: COL11A2 is on the minus strand). VCF-style: chr6-33172366-G-T. GRCh37 (hg19) VCF-style: chr6-33140143-G-T.
Other names: c.2731C>A, p.Pro911Thr (NM_001424108.1); c.2065C>A, p.Pro689Thr (NM_001424109.1); c.1885C>A, p.Pro629Thr (NM_001424110.1, NM_001424111.1); c.865C>A, p.Pro289Thr (NM_001424112.1); c.2590C>A, p.Pro864Thr (NM_080679.3); c.2653C>A, p.Pro885Thr (NM_080681.3); short protein forms P289T, P629T, P689T, P864T, P885T, P911T, P971T.
Identifiers: ClinVar variation 5018339 (VCV005018339.1).